The following is an entry in ClinVar:

NM_153741.2(DPM3):c.193C>T (p.His65Tyr)

Gene: DPM3 (dolichyl-phosphate mannosyltransferase subunit 3, regulatory; minus strand). Cytogenetic location: 1q22.
Variant type: single nucleotide variant.
Coding change: c.193C>T on transcript NM_153741.2 (MANE Select); coding-DNA position 193, C replaced by T.
Protein change: p.His65Tyr; replaces histidine 65 with tyrosine.
Molecular consequence: missense variant.
Genome position (GRCh38, 1-based): chr1:155,140,048, G>A on the plus strand (C>T on the coding strand, the complement: DPM3 is on the minus strand). VCF-style: chr1-155140048-G-A. GRCh37 (hg19) VCF-style: chr1-155112524-G-A.
Other names: c.283C>T, p.His95Tyr (NM_018973.4); short protein forms H65Y, H95Y.
Identifiers: ClinVar variation 2061375 (VCV002061375.4), dbSNP rs1054576178, ClinGen allele CA30863321.

ClinVar aggregate classification (germline): Uncertain significance (1 of 4 stars; one submission).

Conditions:
DPM3-congenital disorder of glycosylation (MDDGC15). Also called: MUSCULAR DYSTROPHY-DYSTROGLYCANOPATHY (LIMB-GIRDLE), TYPE C, 15; DPM3-CDG; CDG Io; CDG1(DPM3). Identifiers: Orphanet 263494, MedGen C2752007, MONDO:0013049, OMIM 612937.

Submission:

Labcorp Genetics (formerly Invitae), Labcorp
Classification: Uncertain significance for DPM3-congenital disorder of glycosylation. Last evaluated: 2022-08-21. Review status: criteria provided, single submitter. Criteria: Invitae Variant Classification Sherloc (09022015). Collection method: clinical testing. Allele origin: germline.
Comment: In summary, the available evidence is currently insufficient to determine the role of this variant in disease. Therefore, it has been classified as a Variant of Uncertain Significance. Algorithms developed to predict the effect of missense changes on protein structure and function are either unavailable or do not agree on the potential impact of this missense change (SIFT: "Deleterious"; PolyPhen-2: "Possibly Damaging"; Align-GVGD: "Class C15"). This variant has not been reported in the literature in individuals affected with DPM3-related conditions. This variant is not present in population databases (gnomAD no frequency). This sequence change replaces histidine, which is basic and polar, with tyrosine, which is neutral and polar, at codon 65 of the DPM3 protein (p.His65Tyr).